The following is an entry in ClinVar:

ClinVar aggregate classification (germline): Uncertain significance (1 of 4 stars; one submission).

Submission:

Labcorp Genetics (formerly Invitae), Labcorp
Classification: Uncertain significance. Last evaluated: 2022-08-19. Review status: criteria provided, single submitter. Criteria: Invitae Variant Classification Sherloc (09022015). Collection method: clinical testing. Allele origin: germline.
Comment: This variant is not present in population databases (gnomAD no frequency). In summary, the available evidence is currently insufficient to determine the role of this variant in disease. Therefore, it has been classified as a Variant of Uncertain Significance. Algorithms developed to predict the effect of missense changes on protein structure and function output the following: SIFT: "Tolerated"; PolyPhen-2: "Benign"; Align-GVGD: "Class C0". The histidine amino acid residue is found in multiple mammalian species, which suggests that this missense change does not adversely affect protein function. This variant has not been reported in the literature in individuals affected with EIF2AK3-related conditions. This sequence change replaces asparagine, which is neutral and polar, with histidine, which is basic and polar, at codon 1070 of the EIF2AK3 protein (p.Asn1070His).

NM_004836.7(EIF2AK3):c.3208A>C (p.Asn1070His)

Genes: EIF2AK3 (eukaryotic translation initiation factor 2 alpha kinase 3; minus strand), EIF2AK3-AS1 (EIF2AK3 antisense RNA 1; plus strand). Cytogenetic location: 2p11.2.
Variant type: single nucleotide variant.
Coding change: c.3208A>C on transcript NM_004836.7 (MANE Select); coding-DNA position 3208, A replaced by C.
Protein change: p.Asn1070His; replaces asparagine 1070 with histidine.
Molecular consequence: missense variant.
Genome position (GRCh38, 1-based): chr2:88,557,879, T>G on the plus strand (A>C on the coding strand, the complement: EIF2AK3 is on the minus strand). VCF-style: chr2-88557879-T-G. GRCh37 (hg19) VCF-style: chr2-88857397-T-G.
Other names: c.2755A>C, p.Asn919His (NM_001313915.2); short protein forms N1070H, N919H.
Identifiers: ClinVar variation 1716808 (VCV001716808.5), dbSNP rs2529086429, ClinGen allele CA347583901.